The following is an entry in ClinVar:

NM_176787.5(PIGN):c.491_492del (p.Glu164fs)

Gene: PIGN (phosphatidylinositol glycan anchor biosynthesis class N; minus strand). Cytogenetic location: 18q21.33.
Variant type: Microsatellite.
Coding change: c.491_492del on transcript NM_176787.5 (MANE Select); coding-DNA positions 491 to 492, 2 bases deleted (AG; older notation c.491_492delAG).
Protein change: p.Glu164fs; shifts the reading frame from glutamic acid 164.
Molecular consequence: frameshift variant.
Genome position (GRCh38, 1-based): chr18:62,154,602-62,154,603, CT deleted on the plus strand (AG on the coding strand, the reverse complement: PIGN is on the minus strand); deleting any 2 consecutive bases within chr18:62,154,602-62,154,607 gives the same sequence; the c. name uses the placement nearest the transcript's 3' end. VCF-style (leftmost placement, unchanged base first): chr18-62154601-CCT-C. GRCh37 (hg19) VCF-style: chr18-59821834-CCT-C.
Other names: c.491_492del, p.Glu164fs (NM_012327.6); short protein forms E164fs.
Identifiers: ClinVar variation 1686069 (VCV001686069.8), dbSNP rs748817187, ClinGen allele CA8982569.
Genomic context (GRCh38, chr18:62,154,601, plus strand): 5'-AAACCTTAACATTATCAAAAACCCACGTATCCAGTTTTGTTGCATCTTGAGCACCAAAAT[CCT>C]CTCTTTTAGCATCATAACTATATGTATAAACGTGGTCTCCACTAGCACCTGAAAAGAAAA-3'

ClinVar aggregate classification (germline): Pathogenic/Likely pathogenic. Review status: criteria provided, multiple submitters, no conflicts (2 of 4 stars). 3 submissions from 3 submitters: Pathogenic (2); Likely pathogenic (1). Last evaluated 2025-10-23.

Conditions:
Multiple congenital anomalies-hypotonia-seizures syndrome 1 (MCAHS1). Also called: PIGN-CDG; GLYCOSYLPHOSPHATIDYLINOSITOL BIOSYNTHESIS DEFECT 3; Congenital disorder of glycosylation due to PIGN deficiency. Identifiers: Orphanet 280633, MedGen C3279775, MONDO:0013563, OMIM 614080.

Submissions (3):

Dasa
Classification: Likely pathogenic. Last evaluated: 2025-10-23. Review status: criteria provided, single submitter. Criteria: DASA Assertion Criteria. Collection method: clinical testing. Allele origin: germline.
Comment: NM_176787.5(PIGN):c.491_492del (p.Glu164Glyfs*16) is a frameshift variant in PIGN predicted to alter the reading frame and introduce a premature termination codon and is predicted to result in an absent or altered protein product. Loss of function is an established disease mechanism for PIGN-associated disorders. Also, this variant is rare in population databases. Based on the currently available evidence, this variant is classified as likely pathogenic.

Labcorp Genetics (formerly Invitae), Labcorp
Classification: Pathogenic for Multiple congenital anomalies-hypotonia-seizures syndrome 1. Last evaluated: 2025-02-03. Review status: criteria provided, single submitter. Criteria: Invitae Variant Classification Sherloc (09022015). Collection method: clinical testing. Allele origin: germline.
Comment: This sequence change creates a premature translational stop signal (p.Glu164Glyfs*16) in the PIGN gene. It is expected to result in an absent or disrupted protein product. Loss-of-function variants in PIGN are known to be pathogenic (PMID: 24253414, 27038415). This variant is present in population databases (rs748817187, gnomAD 0.01%). This variant has not been reported in the literature in individuals affected with PIGN-related conditions. For these reasons, this variant has been classified as Pathogenic.

Mendelics
Classification: Pathogenic for Multiple congenital anomalies-hypotonia-seizures syndrome 1. Last evaluated: 2022-05-04. Review status: criteria provided, single submitter. Criteria: Mendelics Assertion Criteria 2019. Collection method: clinical testing. Allele origin: germline.

Literature cited by the submitters: PubMed 24253414 (cited by Labcorp Genetics (formerly Invitae), Labcorp); PubMed 27038415 (cited by Labcorp Genetics (formerly Invitae), Labcorp).